The following is an entry in ClinVar:

ClinVar aggregate classification (germline): Pathogenic/Likely pathogenic. Review status: criteria provided, multiple submitters, no conflicts (2 of 4 stars). 4 submissions from 4 submitters: Pathogenic (3); Likely pathogenic (1). Last evaluated 2026-08-27.

Conditions:
Familial cancer of breast. Also called: hereditary breast carcinoma; BREAST CANCER, FAMILIAL; Hereditary breast cancer. Identifiers: Orphanet 227535, MedGen C0346153, MONDO:0016419, OMIM 114480. Disease mechanism: loss of function.
Hereditary cancer-predisposing syndrome. Also called: Hereditary Cancer Syndrome; Hereditary neoplastic syndrome; Neoplastic Syndromes, Hereditary; Tumor predisposition. Identifiers: Orphanet 140162, MedGen C0027672, MeSH D009386, MONDO:0015356.

Submissions (4):

Myriad Genetics, Inc.
Classification: Pathogenic for Familial cancer of breast. Last evaluated: 2026-08-27. Review status: criteria provided, single submitter. Criteria: Myriad Autosomal Dominant, Autosomal Recessive and X-Linked Classification Criteria (2023). Collection method: clinical testing. Allele origin: unknown.
Comment: This variant is considered pathogenic. This variant creates a frameshift predicted to result in premature protein truncation.

Ambry Genetics
Classification: Pathogenic for Hereditary cancer-predisposing syndrome. Last evaluated: 2024-07-24. Review status: criteria provided, single submitter. Criteria: Ambry Variant Classification Scheme 2023. Collection method: clinical testing. Allele origin: germline.
Comment: The c.1543delT pathogenic mutation, located in coding exon 6 of the BARD1 gene, results from a deletion of one nucleotide at nucleotide position 1543, causing a translational frameshift with a predicted alternate stop codon (p.S515Pfs*25). This variant is considered to be rare based on population cohorts in the Genome Aggregation Database (gnomAD). This alteration is expected to result in loss of function by premature protein truncation or nonsense-mediated mRNA decay. As such, this alteration is interpreted as a disease-causing mutation.

Labcorp Genetics (formerly Invitae), Labcorp
Classification: Pathogenic for Familial cancer of breast. Last evaluated: 2023-09-22. Review status: criteria provided, single submitter. Criteria: Invitae Variant Classification Sherloc (09022015). Collection method: clinical testing. Allele origin: germline.
Comment: ClinVar contains an entry for this variant (Variation ID: 2577884). For these reasons, this variant has been classified as Pathogenic. This sequence change creates a premature translational stop signal (p.Ser515Profs*25) in the BARD1 gene. It is expected to result in an absent or disrupted protein product. Loss-of-function variants in BARD1 are known to be pathogenic (PMID: 20077502, 21344236). This variant is not present in population databases (gnomAD no frequency). This variant has not been reported in the literature in individuals affected with BARD1-related conditions.

St. Jude Molecular Pathology, St. Jude Children's Research Hospital
Classification: Likely pathogenic for Familial cancer of breast. Last evaluated: 2023-08-17. Review status: criteria provided, single submitter. Criteria: St. Jude Assertion Criteria 2020. Collection method: clinical testing. Allele origin: germline.
Comment: The BARD1 c.1543del (p.Ser515ProfsTer25) change deletes one nucleotide in exon 6 of BARD1 (ankyrin repeats domain) to cause a frameshift of the protein coding sequence and the creation of a premature stop codon. This change is predicted to cause protein truncation or absence of protein due to nonsense-mediated decay. This variant has been reported in an individual with breast cancer (PMID: 34196900). This variant is also absent in gnomAD v2.1.1. In summary, this variant meets criteria to be classified as likely pathogenic.?

Literature cited by the submitters: PubMed 20077502 (cited by Labcorp Genetics (formerly Invitae), Labcorp); PubMed 21344236 (cited by Labcorp Genetics (formerly Invitae), Labcorp).

NM_000465.4(BARD1):c.1543del (p.Ser515fs)

Gene: BARD1 (BRCA1 associated RING domain 1; minus strand). Cytogenetic location: 2q35.
Variant type: Deletion.
Coding change: c.1543del on transcript NM_000465.4 (MANE Select); coding-DNA position 1543, one base deleted (T; older notation c.1543delT).
Protein change: p.Ser515fs; shifts the reading frame from serine 515.
Molecular consequence: frameshift variant. On other transcripts: non-coding transcript variant (3), intron variant (3).
Genome position (GRCh38, 1-based): chr2:214,767,507, A deleted on the plus strand (T on the coding strand, the reverse complement: BARD1 is on the minus strand); the first of 3 consecutive A bases (chr2:214,767,507-214,767,509); deleting any one gives the same sequence. VCF-style (leftmost placement, unchanged base first): chr2-214767506-GA-G. GRCh37 (hg19) VCF-style: chr2-215632230-GA-G.
Other names: c.1486del, p.Ser496fs (NM_001282543.2); c.159-14952del (NM_001282548.2); c.216-14952del (NM_001282545.2); c.364+24790del (NM_001282549.2); c.1543delT (NM_000465.2); short protein forms S496fs, S515fs.
Identifiers: ClinVar variation 2577884 (VCV002577884.6), dbSNP rs2469442633, ClinGen allele CA2580617519.
Genomic context (GRCh38, chr2:214,767,506, plus strand): 5'-CCATTTTAAAAATAATTTTTACGTTGAACTACTTACACAGCATTTCTGGAGGCTCCATAG[GA>G]AAGTAACAGCTTGACTATATCCACATGCCCATTCTTGGCTGCATCGTGAAGTGGTGAGTC-3'